The following is an entry in ClinVar:

ClinVar aggregate classification (germline): Pathogenic/Likely pathogenic. Review status: criteria provided, multiple submitters, no conflicts (2 of 4 stars). 3 submissions from 3 submitters: Pathogenic (2); Likely pathogenic (1). Last evaluated 2024-04-29.

Conditions:
Retinitis pigmentosa 62 (RP62). Identifiers: Orphanet 791, MedGen C3280042, MONDO:0013611, OMIM 614181.

Allele frequency attached by ClinVar (database versions not stated): gnomAD exomes below 0.00001.

Submissions (3):

Fulgent Genetics
Classification: Likely pathogenic for Retinitis pigmentosa 62. Last evaluated: 2024-04-29. Review status: criteria provided, single submitter. Criteria: ACMG Guidelines, 2015. Collection method: clinical testing. Allele origin: germline.

Labcorp Genetics (formerly Invitae), Labcorp
Classification: Pathogenic. Last evaluated: 2023-05-15. Review status: criteria provided, single submitter. Criteria: Invitae Variant Classification Sherloc (09022015). Collection method: clinical testing. Allele origin: germline.
Comment: For these reasons, this variant has been classified as Pathogenic. ClinVar contains an entry for this variant (Variation ID: 286531). This variant has not been reported in the literature in individuals affected with MAK-related conditions. This variant is not present in population databases (gnomAD no frequency). This sequence change creates a premature translational stop signal (p.Leu57Glnfs*7) in the MAK gene. It is expected to result in an absent or disrupted protein product. Loss-of-function variants in MAK are known to be pathogenic (PMID: 21148103, 21825139, 24938718, 29781741).

Eurofins Ntd Llc (ga)
Classification: Pathogenic. Last evaluated: 2016-03-02. Review status: criteria provided, single submitter. Criteria: EGL Classification Definitions 2015. Collection method: clinical testing. Allele origin: germline. Observed: 1 variant allele, 1 heterozygote.

Literature cited by the submitters: PubMed 21148103 (cited by Labcorp Genetics (formerly Invitae), Labcorp); PubMed 21825139 (cited by Labcorp Genetics (formerly Invitae), Labcorp); PubMed 24938718 (cited by Labcorp Genetics (formerly Invitae), Labcorp); PubMed 29781741 (cited by Labcorp Genetics (formerly Invitae), Labcorp).

NM_001242957.3(MAK):c.170_171del (p.Leu57fs)

Gene: MAK (male germ cell associated kinase; minus strand). Cytogenetic location: 6p24.2.
Variant type: Deletion.
Coding change: c.170_171del on transcript NM_001242957.3 (MANE Select); coding-DNA positions 170 to 171, 2 bases deleted (TT; older notation c.170_171delTT).
Protein change: p.Leu57fs; shifts the reading frame from leucine 57.
Molecular consequence: frameshift variant. On other transcripts: non-coding transcript variant (2).
Genome position (GRCh38, 1-based): chr6:10,817,957-10,817,958, AA deleted on the plus strand (TT on the coding strand, the reverse complement: MAK is on the minus strand). VCF-style (leftmost placement, unchanged base first): chr6-10817956-TAA-T. GRCh37 (hg19) VCF-style: chr6-10818189-TAA-T.
Other names: c.170_171del, p.Leu57fs (NM_001242385.2, NM_005906.6); c.68_69del, p.Leu23fs (NM_001377262.1); short protein forms L57fs, L23fs.
Identifiers: ClinVar variation 286531 (VCV000286531.10), dbSNP rs886043417, ClinGen allele CA10605494.